The following is an entry in ClinVar:

ClinVar aggregate classification (germline): Uncertain significance. Review status: criteria provided, multiple submitters, no conflicts (2 of 4 stars). 4 submissions from 4 submitters: Uncertain significance (4). Last evaluated 2025-07-10.

Conditions:
Hereditary cancer-predisposing syndrome. Also called: Tumor predisposition; Neoplastic Syndromes, Hereditary; Hereditary Cancer Syndrome; Hereditary neoplastic syndrome. Identifiers: Orphanet 140162, MedGen C0027672, MeSH D009386, MONDO:0015356.
Tuberous sclerosis 2 (TSC2). Identifiers: Orphanet 805, MedGen C1860707, MONDO:0013199, OMIM 613254.

Allele frequency attached by ClinVar (database versions not stated): gnomAD exomes below 0.00001.
gnomAD v4.1: 4 of 1,612,970 alleles (0.00025%); highest among the groups gnomAD compares: Non-Finnish European, 0.00034%; no homozygotes.

Submissions (4):

Ambry Genetics
Classification: Uncertain significance for Hereditary cancer-predisposing syndrome. Last evaluated: 2025-07-10. Review status: criteria provided, single submitter. Criteria: Ambry Variant Classification Scheme 2023. Collection method: clinical testing. Allele origin: germline.
Comment: The p.P1227S variant (also known as c.3679C>T), located in coding exon 30 of the TSC2 gene, results from a C to T substitution at nucleotide position 3679. The proline at codon 1227 is replaced by serine, an amino acid with similar properties. This amino acid position is highly conserved in available vertebrate species. In addition, this alteration is predicted to be deleterious by in silico analysis. Based on the available evidence, the clinical significance of this alteration remains unclear.

Labcorp Genetics (formerly Invitae), Labcorp
Classification: Uncertain significance for Tuberous sclerosis 2. Last evaluated: 2025-07-08. Review status: criteria provided, single submitter. Criteria: Invitae Variant Classification Sherloc (09022015). Collection method: clinical testing. Allele origin: germline.
Comment: This sequence change replaces proline, which is neutral and non-polar, with serine, which is neutral and polar, at codon 1227 of the TSC2 protein (p.Pro1227Ser). RNA analysis indicates that this missense change induces altered splicing and may result in an absent or altered protein product. This variant is not present in population databases (gnomAD no frequency). This missense change has been observed in individual(s) with clinical features of tuberous sclerosis complex (internal data). ClinVar contains an entry for this variant (Variation ID: 486656). Invitae Evidence Modeling of protein sequence and biophysical properties (such as structural, functional, and spatial information, amino acid conservation, physicochemical variation, residue mobility, and thermodynamic stability) has been performed for this missense variant. However, the output from this modeling did not meet the statistical confidence thresholds required to predict the impact of this variant on TSC2 protein function. Studies have shown that this missense change results in activation of a cryptic splice site, and produces a non-functional protein and/or introduces a premature termination codon (internal data). In summary, the available evidence is currently insufficient to determine the role of this variant in disease. Therefore, it has been classified as a Variant of Uncertain Significance.

GeneDx
Classification: Uncertain significance. Last evaluated: 2023-07-18. Review status: criteria provided, single submitter. Criteria: GeneDx Variant Classification Process June 2021. Collection method: clinical testing. Allele origin: germline. Affected: yes.
Comment: Not observed at significant frequency in large population cohorts (gnomAD); In silico analysis supports that this missense variant has a deleterious effect on protein structure/function; Has not been previously published as pathogenic or benign to our knowledge

Genome-Nilou Lab
Classification: Uncertain significance for Tuberous sclerosis 2. Last evaluated: 2021-11-07. Review status: criteria provided, single submitter. Criteria: ACMG Guidelines, 2015. Collection method: clinical testing. Allele origin: germline. Affected: no.

NM_000548.5(TSC2):c.3679C>T (p.Pro1227Ser)

Gene: TSC2 (TSC complex subunit 2; plus strand). Cytogenetic location: 16p13.3.
Variant type: single nucleotide variant.
Coding change: c.3679C>T on transcript NM_000548.5 (MANE Select); coding-DNA position 3679, C replaced by T.
Protein change: p.Pro1227Ser; replaces proline 1227 with serine.
Molecular consequence: missense variant.
Genome position (GRCh38, 1-based): chr16:2,081,663, C>T. VCF-style: chr16-2081663-C-T. GRCh37 (hg19) VCF-style: chr16-2131664-C-T.
Other names: c.3547C>T, p.Pro1183Ser (NM_001077183.3, NM_001370404.1); c.3679C>T, p.Pro1227Ser (NM_001114382.3); c.3439C>T, p.Pro1147Ser (NM_001318827.2); c.3403C>T, p.Pro1135Ser (NM_001318829.2); c.2947C>T, p.Pro983Ser (NM_001318831.2); c.3580C>T, p.Pro1194Ser (NM_001318832.2); c.3550C>T, p.Pro1184Ser (NM_001363528.2, NM_001370405.1, NM_021055.3); short protein forms P1227S, P983S, P1135S, P1147S, P1184S, P1183S, P1194S.
Identifiers: ClinVar variation 486656 (VCV000486656.17), dbSNP rs1555512392, ClinGen allele CA394292308.
Genomic context (GRCh38, chr16:2,081,663, plus strand): 5'-AGCTGGCTGATGAGCCTGGAGAACCCGCTCAGCCCTTTCTCCTCGGACATCAACAACATG[C>T]CCCTGCAGGAGCTGTCTAACGCCCTCATGGCGGCTGAGCGCTTCAAGGAGCACCGGGACA-3'
Protein context (NP_000539.2, residues 1217-1237): SPFSSDINNM[Pro1227Ser]LQELSNALMA